The following is an entry in ClinVar:

NM_030777.4(SLC2A10):c.1532A>G (p.Gln511Arg)

Gene: SLC2A10 (solute carrier family 2 member 10; plus strand). Cytogenetic location: 20q13.12.
Variant type: single nucleotide variant.
Coding change: c.1532A>G on transcript NM_030777.4 (MANE Select); coding-DNA position 1532, A replaced by G.
Protein change: p.Gln511Arg; replaces glutamine 511 with arginine.
Molecular consequence: missense variant.
Genome position (GRCh38, 1-based): chr20:46,729,473, A>G. VCF-style: chr20-46729473-A-G. GRCh37 (hg19) VCF-style: chr20-45358112-A-G.
Other names: short protein forms Q511R.
Identifiers: ClinVar variation 4692190 (VCV004692190.1).

ClinVar aggregate classification (germline): Uncertain significance (1 of 4 stars; one submission).

Conditions:
Arterial tortuosity syndrome (ATORS). Identifiers: Orphanet 3342, MedGen C1859726, MONDO:0008818, OMIM 208050.

Submission:

Labcorp Genetics (formerly Invitae), Labcorp
Classification: Uncertain significance for Arterial tortuosity syndrome. Last evaluated: 2025-03-18. Review status: criteria provided, single submitter. Criteria: Invitae Variant Classification Sherloc (09022015). Collection method: clinical testing. Allele origin: germline.
Comment: This sequence change replaces glutamine, which is neutral and polar, with arginine, which is basic and polar, at codon 511 of the SLC2A10 protein (p.Gln511Arg). This variant is not present in population databases (gnomAD no frequency). This variant has not been reported in the literature in individuals affected with SLC2A10-related conditions. Invitae Evidence Modeling of protein sequence and biophysical properties (such as structural, functional, and spatial information, amino acid conservation, physicochemical variation, residue mobility, and thermodynamic stability) has been performed for this missense variant. However, the output from this modeling did not meet the statistical confidence thresholds required to predict the impact of this variant on SLC2A10 protein function. In summary, the available evidence is currently insufficient to determine the role of this variant in disease. Therefore, it has been classified as a Variant of Uncertain Significance.